The following is an entry in ClinVar:

NM_007373.4(SHOC2):c.233C>T (p.Ala78Val)

Gene: SHOC2 (SHOC2 leucine rich repeat scaffold protein; plus strand). Cytogenetic location: 10q25.2.
Variant type: single nucleotide variant.
Coding change: c.233C>T on transcript NM_007373.4 (MANE Select); coding-DNA position 233, C replaced by T.
Protein change: p.Ala78Val; replaces alanine 78 with valine.
Molecular consequence: missense variant.
Genome position (GRCh38, 1-based): chr10:110,964,591, C>T. VCF-style: chr10-110964591-C-T. GRCh37 (hg19) VCF-style: chr10-112724349-C-T.
Other names: c.233C>T, p.Ala78Val (NM_001269039.3, NM_001324336.2, NM_001324337.2); c.233C>T (NM_007373.3); short protein forms A78V.
Identifiers: ClinVar variation 1014118 (VCV001014118.12), dbSNP rs201197595, ClinGen allele CA5689564.

ClinVar aggregate classification (germline): Uncertain significance. Review status: criteria provided, multiple submitters, no conflicts (2 of 4 stars). 3 submissions from 3 submitters: Uncertain significance (3). Last evaluated 2025-08-12.

Conditions:
RASopathy. Also called: Noonan spectrum disorder; rasopathies. Identifiers: Orphanet 536391, MedGen C5555857, MONDO:0021060.
Cardiovascular phenotype. Identifiers: MedGen CN230736.
Noonan syndrome-like disorder with loose anagen hair 1 (NSLH1). Also called: TOSTI SYNDROME; MAZZANTI SYNDROME. Identifiers: Orphanet 2701, MedGen C4478716, MONDO:0054637, OMIM 607721.

Allele frequency attached by ClinVar (database versions not stated): ExAC 0.00001; gnomAD 0.00001; TOPMed 0.00002.
gnomAD v4.1: 25 of 1,613,934 alleles (0.0015%); highest among the groups gnomAD compares: Non-Finnish European, 0.0019%; no homozygotes.

Submissions (3):

Ambry Genetics
Classification: Uncertain significance for Cardiovascular phenotype. Last evaluated: 2025-08-12. Review status: criteria provided, single submitter. Criteria: Ambry Variant Classification Scheme 2023. Collection method: clinical testing. Allele origin: germline.
Comment: The p.A78V variant (also known as c.233C>T), located in coding exon 1 of the SHOC2 gene, results from a C to T substitution at nucleotide position 233. The alanine at codon 78 is replaced by valine, an amino acid with similar properties. This amino acid position is conserved. In addition, the in silico prediction for this alteration is inconclusive. Based on the available evidence, the clinical significance of this variant remains unclear.

Labcorp Genetics (formerly Invitae), Labcorp
Classification: Uncertain significance for RASopathy. Last evaluated: 2023-11-15. Review status: criteria provided, single submitter. Criteria: Invitae Variant Classification Sherloc (09022015). Collection method: clinical testing. Allele origin: germline.
Comment: This sequence change replaces alanine, which is neutral and non-polar, with valine, which is neutral and non-polar, at codon 78 of the SHOC2 protein (p.Ala78Val). This variant is present in population databases (rs201197595, gnomAD 0.002%). This variant has not been reported in the literature in individuals affected with SHOC2-related conditions. ClinVar contains an entry for this variant (Variation ID: 1014118). Advanced modeling of protein sequence and biophysical properties (such as structural, functional, and spatial information, amino acid conservation, physicochemical variation, residue mobility, and thermodynamic stability) performed at Invitae indicates that this missense variant is not expected to disrupt SHOC2 protein function with a negative predictive value of 80%. In summary, the available evidence is currently insufficient to determine the role of this variant in disease. Therefore, it has been classified as a Variant of Uncertain Significance.

Revvity Omics, Revvity
Classification: Uncertain significance for Noonan syndrome-like disorder with loose anagen hair 1. Last evaluated: 2020-08-19. Review status: criteria provided, single submitter. Criteria: ACMG Guidelines, 2015. Collection method: clinical testing. Allele origin: germline.